The following is an entry in ClinVar:

NM_001130987.2(DYSF):c.6064-1G>T

Gene: DYSF (dysferlin; plus strand). Cytogenetic location: 2p13.2.
Variant type: single nucleotide variant.
Coding change: c.6064-1G>T on transcript NM_001130987.2 (MANE Select); the canonical splice acceptor site of the intron before coding-DNA position 6064, G replaced by T.
Molecular consequence: splice acceptor variant.
Genome position (GRCh38, 1-based): chr2:71,681,000, G>T. VCF-style: chr2-71681000-G-T. GRCh37 (hg19) VCF-style: chr2-71908130-G-T.
Other names: c.6040-1G>T (NM_001130979.2); c.6061-1G>T (NM_001130981.2); c.5998-1G>T (NM_001130980.2); c.6010-1G>T (NM_001130978.2); c.5947-1G>T (NM_003494.4); c.5968-1G>T (NM_001130977.2); c.5905-1G>T (NM_001130976.2); c.6043-1G>T (NM_001130982.2); and 5 more.
Identifiers: ClinVar variation 4815158 (VCV004815158.1).

ClinVar aggregate classification (germline): Likely pathogenic (1 of 4 stars; one submission).

Conditions:
Autosomal recessive limb-girdle muscular dystrophy type 2B (LGMDR2). Also called: MUSCULAR DYSTROPHY, LIMB-GIRDLE, TYPE 3; MUSCULAR DYSTROPHY, LIMB-GIRDLE, AUTOSOMAL RECESSIVE 2; Limb-Girdle Muscular Dystrophy Type 2B (LGMD2B); Limb-girdle muscular dystrophy, type 2B. Identifiers: Orphanet 268, MedGen C1850889, MONDO:0009676, OMIM 253601.

Submission:

Natera, Inc.
Classification: Likely pathogenic for Limb-girdle muscular dystrophy type 2B. Last evaluated: 2025-11-20. Review status: criteria provided, single submitter. Criteria: Natera Variant Classification Schema (03/2026). Collection method: clinical testing. Allele origin: germline.
Comment: The c.5947-1G>T variant in DYSF is a canonical splice acceptor site variant predicted to affect pre-mRNA splicing, which may result in an abnormal transcript and altered protein product. This variant is expected to result in nonsense mediated decay, truncation, or a dysfunctional protein product. This variant is rare in the general population with a frequency below the threshold expected for the associated phenotype(s). Given the available evidence, this variant is classified as Likely Pathogenic.